The following is an entry in ClinVar:

ClinVar aggregate classification (germline): Likely pathogenic (1 of 4 stars; one submission).

Submission:

GeneDx
Classification: Likely pathogenic. Last evaluated: 2026-01-24. Review status: criteria provided, single submitter. Criteria: GeneDx Variant Classification Process June 2021. Collection method: clinical testing. Allele origin: germline.
Comment: Frameshift variant predicted to result in abnormal protein length as the last 33 amino acid(s) are replaced with 24 different amino acid(s), and other similar variants have been reported in HGMD; Not observed at significant frequency in large population cohorts (gnomAD); Has not been previously published as pathogenic or benign to our knowledge

NM_003106.4(SOX2):c.853dup (p.Glu285fs)

Genes: SOX2 (SRY-box transcription factor 2; plus strand), SOX2-OT (SOX2 overlapping transcript; plus strand). Cytogenetic location: 3q26.33.
Variant type: Duplication.
Coding change: c.853dup on transcript NM_003106.4 (MANE Select); coding-DNA position 853, one base duplicated (G; older notation c.853dupG).
Protein change: p.Glu285fs; shifts the reading frame from glutamic acid 285.
Molecular consequence: frameshift variant.
Genome position (GRCh38, 1-based): chr3:181,713,213, G duplicated; the last of 2 consecutive G bases (chr3:181,713,212-181,713,213); duplicating either gives the same sequence. VCF-style (leftmost placement, unchanged base first): chr3-181713211-C-CG. GRCh37 (hg19) VCF-style: chr3-181430999-C-CG.
Other names: short protein forms E285fs.
Identifiers: ClinVar variation 4975124 (VCV004975124.1).